The following is an entry in ClinVar:

NM_006014.5(LAGE3):c.91G>A (p.Ala31Thr)

Genes: LAGE3 (L antigen family member 3; minus strand), LOC130068876 (ATAC-STARR-seq lymphoblastoid silent region 21109; plus strand). Cytogenetic location: Xq28.
Variant type: single nucleotide variant.
Coding change: c.91G>A on transcript NM_006014.5 (MANE Select); coding-DNA position 91, G replaced by A.
Protein change: p.Ala31Thr; replaces alanine 31 with threonine.
Molecular consequence: missense variant.
Genome position (GRCh38, 1-based): chrX:154,478,825, C>T on the plus strand (G>A on the coding strand, the complement: LAGE3 is on the minus strand). VCF-style: chrX-154478825-C-T. GRCh37 (hg19) VCF-style: chrX-153707164-C-T.
Other names: short protein forms A31T.
Identifiers: ClinVar variation 741350 (VCV000741350.11), dbSNP rs2276463, ClinGen allele CA10565289.

ClinVar aggregate classification (germline): Benign. Review status: criteria provided, single submitter (1 of 4 stars). 2 submissions from 2 submitters: Benign (1). 1 of the submissions does not count toward it. Last evaluated 2026-01-25.

Conditions:
LAGE3-related disorder. Also called: LAGE3-related condition.

Allele frequency attached by ClinVar (database versions not stated): gnomAD 0.00067 and 0.00096; gnomAD exomes 0.00089 and 0.00216; TOPMed 0.00114; ExAC 0.00472; 1000 Genomes Project 30x 0.00541; 1000 Genomes Project 0.00583.
gnomAD v4.1: 988 of 1,107,697 alleles (0.089%); highest among the groups gnomAD compares: East Asian, 3.1%; 16 homozygotes.

Submissions (2):

Labcorp Genetics (formerly Invitae), Labcorp
Classification: Benign. Last evaluated: 2026-01-25. Review status: criteria provided, single submitter. Criteria: Invitae Variant Classification Sherloc (09022015). Collection method: clinical testing. Allele origin: germline.

PreventionGenetics, part of Exact Sciences
Classification: Benign for LAGE3-related condition. Last evaluated: 2019-08-14. Review status: no assertion criteria provided. Collection method: clinical testing. Allele origin: germline. Not counted in ClinVar's aggregate classification.
Comment: This variant is classified as benign based on ACMG/AMP sequence variant interpretation guidelines (Richards et al. 2015 PMID: 25741868, with internal and published modifications).